The following is an entry in ClinVar:

ClinVar aggregate classification (germline): Uncertain significance (1 of 4 stars; one submission).

Submission:

Labcorp Genetics (formerly Invitae), Labcorp
Classification: Uncertain significance. Last evaluated: 2022-05-28. Review status: criteria provided, single submitter. Criteria: Invitae Variant Classification Sherloc (09022015). Collection method: clinical testing. Allele origin: germline.
Comment: This sequence change replaces glutamic acid, which is acidic and polar, with aspartic acid, which is acidic and polar, at codon 199 of the RFWD3 protein (p.Glu199Asp). This variant is not present in population databases (gnomAD no frequency). This variant has not been reported in the literature in individuals affected with RFWD3-related conditions. Algorithms developed to predict the effect of missense changes on protein structure and function output the following: SIFT: "Tolerated"; PolyPhen-2: "Benign"; Align-GVGD: "Class C0". The aspartic acid amino acid residue is found in multiple mammalian species, which suggests that this missense change does not adversely affect protein function. In summary, the available evidence is currently insufficient to determine the role of this variant in disease. Therefore, it has been classified as a Variant of Uncertain Significance.

NM_018124.4(RFWD3):c.597G>C (p.Glu199Asp)

Gene: RFWD3 (ring finger and WD repeat domain 3; minus strand). Cytogenetic location: 16q23.1.
Variant type: single nucleotide variant.
Coding change: c.597G>C on transcript NM_018124.4 (MANE Select); coding-DNA position 597, G replaced by C.
Protein change: p.Glu199Asp; replaces glutamic acid 199 with aspartic acid.
Molecular consequence: missense variant. On other transcripts: 5 prime UTR variant (4), intron variant (1).
Genome position (GRCh38, 1-based): chr16:74,652,044, C>G on the plus strand (G>C on the coding strand, the complement: RFWD3 is on the minus strand). VCF-style: chr16-74652044-C-G. GRCh37 (hg19) VCF-style: chr16-74685942-C-G.
Other names: c.597G>C, p.Glu199Asp (NM_001370534.1, NM_001370535.1, NM_001370536.1); c.-412G>C (NM_001370537.1); c.-238G>C (NM_001370540.1); c.-289G>C (NM_001370542.1); c.-167G>C (NM_001370543.1); c.-113-2842G>C (NM_001370539.1); short protein forms E199D.
Identifiers: ClinVar variation 2082568 (VCV002082568.4), dbSNP rs2544092861, ClinGen allele CA396763565.